The following is an entry in ClinVar:

NM_152296.5(ATP1A3):c.2115C>T (p.Thr705=)

Gene: ATP1A3 (ATPase Na+/K+ transporting subunit alpha 3; minus strand). Cytogenetic location: 19q13.2.
Variant type: single nucleotide variant.
Coding change: c.2115C>T on transcript NM_152296.5 (MANE Select); coding-DNA position 2115, C replaced by T.
Protein change: p.Thr705=; no amino-acid change (threonine 705 retained).
Molecular consequence: synonymous variant.
Genome position (GRCh38, 1-based): chr19:41,975,777, G>A on the plus strand (C>T on the coding strand, the complement: ATP1A3 is on the minus strand). VCF-style: chr19-41975777-G-A. GRCh37 (hg19) VCF-style: chr19-42479929-G-A.
Other names: c.2148C>T, p.Thr716= (NM_001256213.2); c.2154C>T, p.Thr718= (NM_001256214.2); c.2154C>T (NM_001256214.1).
Identifiers: ClinVar variation 536473 (VCV000536473.13), dbSNP rs371962113, ClinGen allele CA9467461.

ClinVar aggregate classification (germline): Likely benign. Review status: criteria provided, multiple submitters, no conflicts (2 of 4 stars). 2 submissions from 2 submitters: Likely benign (2). Last evaluated 2025-10-27.

Conditions:
Dystonia 12 (DYT12). Also called: DYT-ATP1A3; Rapid-Onset Dystonia-Parkinsonism (RDP). Identifiers: Orphanet 71517, MedGen C1868681, MONDO:0007496, OMIM 128235.
ATP1A3-related disorder. Also called: ATP1A3-related condition; ATP1A3-related disorders. Identifiers: MedGen CN381097.

Allele frequency attached by ClinVar (database versions not stated): gnomAD exomes 0.00004 and 0.00008; ExAC 0.00007; ESP Exome Variant Server 0.00008; gnomAD 0.00011; TOPMed 0.00012; 1000 Genomes Project 30x 0.00016; 1000 Genomes Project 0.00020.
gnomAD v4.1: 71 of 1,613,946 alleles (0.0044%); highest among the groups gnomAD compares: African/African-American, 0.051%; no homozygotes.

Submissions (2):

Labcorp Genetics (formerly Invitae), Labcorp
Classification: Likely benign for Dystonia 12. Last evaluated: 2025-10-27. Review status: criteria provided, single submitter. Criteria: Invitae Variant Classification Sherloc (09022015). Collection method: clinical testing. Allele origin: germline.

PreventionGenetics, part of Exact Sciences
Classification: Likely benign for ATP1A3-related condition. Last evaluated: 2025-02-19. Review status: criteria provided, single submitter. Criteria: ACMG Guidelines, 2015. Collection method: clinical testing. Allele origin: germline.
Comment: This variant is classified as likely benign based on ACMG/AMP sequence variant interpretation guidelines (Richards et al. 2015 PMID: 25741868, with internal and published modifications).